The following is an entry in ClinVar:

NM_001290060.2(SEMA3B):c.308A>G (p.Asn103Ser)

Gene: SEMA3B (semaphorin 3B; plus strand). Cytogenetic location: 3p21.31.
Variant type: single nucleotide variant.
Coding change: c.308A>G on transcript NM_001290060.2 (MANE Select); coding-DNA position 308, A replaced by G.
Protein change: p.Asn103Ser; replaces asparagine 103 with serine.
Molecular consequence: missense variant.
Genome position (GRCh38, 1-based): chr3:50,270,473, A>G. VCF-style: chr3-50270473-A-G. GRCh37 (hg19) VCF-style: chr3-50307904-A-G.
Other names: c.308A>G, p.Asn103Ser (NM_001005914.3, NM_001290061.1, NM_001435956.1 and 3 more transcripts); short protein forms N103S.
Identifiers: ClinVar variation 4992995 (VCV004992995.1).

ClinVar aggregate classification (germline): Uncertain significance (1 of 4 stars; one submission).

Conditions:
SEMA3B-related disorder. Also called: SEMA3B-related condition.

Submission:

PreventionGenetics, part of Exact Sciences
Classification: Uncertain significance for SEMA3B-related condition. Last evaluated: 2026-08-02. Review status: criteria provided, single submitter. Criteria: ACMG Guidelines, 2015. Collection method: clinical testing. Allele origin: germline.
Comment: The SEMA3B c.308A>G variant is predicted to result in the amino acid substitution p.Asn103Ser. To our knowledge, this variant has not been reported in the literature. This variant is reported in 0.00090% of alleles in individuals of European (Non-Finnish) descent in gnomAD. At this time, the clinical significance of this variant is uncertain due to the absence of conclusive functional and genetic evidence.